The following is an entry in ClinVar:

NM_001042492.3(NF1):c.2933G>C (p.Gly978Ala)

Gene: NF1 (neurofibromin 1; plus strand). Cytogenetic location: 17q11.2.
Variant type: single nucleotide variant.
Coding change: c.2933G>C on transcript NM_001042492.3 (MANE Select); coding-DNA position 2933, G replaced by C.
Protein change: p.Gly978Ala; replaces glycine 978 with alanine.
Molecular consequence: missense variant.
Genome position (GRCh38, 1-based): chr17:31,229,917, G>C. VCF-style: chr17-31229917-G-C. GRCh37 (hg19) VCF-style: chr17-29556935-G-C.
Other names: c.2933G>C, p.Gly978Ala (NM_000267.4); short protein forms G978A.
Identifiers: ClinVar variation 3634519 (VCV003634519.2).
Genomic context (GRCh38, chr17:31,229,917, plus strand): 5'-CTCAATTTGTAGAACAAACCATAGCTATAATGAAGAACTTGCTAGATAATCATACTGAAG[G>C]CAGCTCTGAACATCTAGGGCAAGCTAGCATTGAAACAATGATGTTAAATCTGGTCAGGTA-3'
Protein context (NP_001035957.1, residues 968-988): MKNLLDNHTE[Gly978Ala]SSEHLGQASI

ClinVar aggregate classification (germline): Uncertain significance (1 of 4 stars; one submission).

Conditions:
Neurofibromatosis, type 1 (NF1). Also called: VON RECKLINGHAUSEN DISEASE; Peripheral type neurofibromatosis; NEUROFIBROMATOSIS, TYPE I, SOMATIC; Neurofibromatosis, type I. Identifiers: Orphanet 636, MedGen C0027831, MONDO:0018975, OMIM 162200. Disease mechanism: loss of function.

Submission:

Labcorp Genetics (formerly Invitae), Labcorp
Classification: Uncertain significance for Neurofibromatosis, type 1. Last evaluated: 2024-09-16. Review status: criteria provided, single submitter. Criteria: Invitae Variant Classification Sherloc (09022015). Collection method: clinical testing. Allele origin: germline.
Comment: This sequence change replaces glycine, which is neutral and non-polar, with alanine, which is neutral and non-polar, at codon 978 of the NF1 protein (p.Gly978Ala). This variant is not present in population databases (gnomAD no frequency). This variant has not been reported in the literature in individuals affected with NF1-related conditions. Invitae Evidence Modeling of protein sequence and biophysical properties (such as structural, functional, and spatial information, amino acid conservation, physicochemical variation, residue mobility, and thermodynamic stability) indicates that this missense variant is not expected to disrupt NF1 protein function with a negative predictive value of 95%. In summary, the available evidence is currently insufficient to determine the role of this variant in disease. Therefore, it has been classified as a Variant of Uncertain Significance.